The following is an entry in ClinVar:

NM_000057.4(BLM):c.921A>T (p.Glu307Asp)

Gene: BLM (BLM RecQ like helicase; plus strand). Cytogenetic location: 15q26.1.
Variant type: single nucleotide variant.
Coding change: c.921A>T on transcript NM_000057.4 (MANE Select); coding-DNA position 921, A replaced by T.
Protein change: p.Glu307Asp; replaces glutamic acid 307 with aspartic acid.
Molecular consequence: missense variant. On other transcripts: 5 prime UTR variant (1).
Genome position (GRCh38, 1-based): chr15:90,751,908, A>T. VCF-style: chr15-90751908-A-T. GRCh37 (hg19) VCF-style: chr15-91295138-A-T.
Other names: c.921A>T, p.Glu307Asp (NM_001287246.2, NM_001287247.2); c.-371A>T (NM_001287248.2); short protein forms E307D.
Identifiers: ClinVar variation 4211239 (VCV004211239.1).

ClinVar aggregate classification (germline): Uncertain significance (1 of 4 stars; one submission).

Conditions:
Hereditary cancer-predisposing syndrome. Also called: Neoplastic Syndromes, Hereditary; Tumor predisposition; Hereditary Cancer Syndrome; Hereditary neoplastic syndrome. Identifiers: Orphanet 140162, MedGen C0027672, MeSH D009386, MONDO:0015356.

Submission:

Ambry Genetics
Classification: Uncertain significance for Hereditary cancer-predisposing syndrome. Last evaluated: 2025-08-24. Review status: criteria provided, single submitter. Criteria: Ambry Variant Classification Scheme 2023. Collection method: clinical testing. Allele origin: germline.
Comment: The p.E307D variant (also known as c.921A>T), located in coding exon 3 of the BLM gene, results from an A to T substitution at nucleotide position 921. The glutamic acid at codon 307 is replaced by aspartic acid, an amino acid with highly similar properties. This amino acid position is conserved. In addition, this alteration is predicted to be tolerated by in silico analysis. Based on the available evidence, the clinical significance of this variant remains unclear.